The following is an entry in ClinVar:

ClinVar aggregate classification (germline): Uncertain significance. Review status: criteria provided, multiple submitters, no conflicts (2 of 4 stars). 6 submissions from 6 submitters: Uncertain significance (6). Last evaluated 2026-10-01.

Conditions:
Hereditary cancer-predisposing syndrome. Also called: Hereditary neoplastic syndrome; Tumor predisposition; Neoplastic Syndromes, Hereditary; Hereditary Cancer Syndrome. Identifiers: Orphanet 140162, MedGen C0027672, MeSH D009386, MONDO:0015356.
Familial cancer of breast. Also called: hereditary breast carcinoma; BREAST CANCER, FAMILIAL; Hereditary breast cancer. Identifiers: Orphanet 227535, MedGen C0346153, MONDO:0016419, OMIM 114480. Disease mechanism: loss of function.

Allele frequency attached by ClinVar (database versions not stated): gnomAD exomes below 0.00001; TOPMed 0.00002.

Submissions (6):

St. Jude Molecular Pathology, St. Jude Children's Research Hospital
Classification: Uncertain significance for Familial cancer of breast. Last evaluated: 2026-10-01. Review status: criteria provided, single submitter. Criteria: St. Jude Assertion Criteria 2020. Collection method: clinical testing. Allele origin: germline.
Comment: The BARD1 c.885T>G p.(Asn295Lys) missense change is absent in gnomAD v2.1.1. The in sili co tool REVEL predicts a benign effect on protein function, but to our knowledge this prediction has not been confirmed by functional studies. To our knowledge, this variant has not been reported as pathogenic in individuals with BARD1-related disease. I n summary, the evidence currently available is insufficient to determine the clinical significance of this variant. It has therefore been classified as of uncertain significance.

Ambry Genetics
Classification: Uncertain significance for Hereditary cancer-predisposing syndrome. Last evaluated: 2025-09-23. Review status: criteria provided, single submitter. Criteria: Ambry Variant Classification Scheme 2023. Collection method: clinical testing. Allele origin: germline.
Comment: The p.N295K variant (also known as c.885T>G), located in coding exon 4 of the BARD1 gene, results from a T to G substitution at nucleotide position 885. The asparagine at codon 295 is replaced by lysine, an amino acid with similar properties. This amino acid position is not well conserved in available vertebrate species. In addition, this alteration is predicted to be tolerated by in silico analysis. Since supporting evidence is limited at this time, the clinical significance of this alteration remains unclear.

Women's Health and Genetics/Laboratory Corporation of America, LabCorp
Classification: Uncertain significance. Last evaluated: 2025-07-28. Review status: criteria provided, single submitter. Criteria: LabCorp Variant Classification Summary - May 2015. Collection method: clinical testing. Allele origin: germline.
Comment: Variant summary: BARD1 c.885T>G (p.Asn295Lys) results in a non-conservative amino acid change in the encoded protein sequence. Algorithms developed to predict the effect of missense changes on protein structure and function are either unavailable or do not agree on the potential impact of this missense change. The variant was absent in 250192 control chromosomes. The available data on variant occurrences in the general population are insufficient to allow any conclusion about variant significance. c.885T>G has been observed in an individual affected with Breast Cancer (de Oliveira_2022). This report does not provide unequivocal conclusions about association of the variant with Breast Cancer. To our knowledge, no experimental evidence demonstrating an impact on protein function has been reported. The following publication has been ascertained in the context of this evaluation (PMID: 35534704). ClinVar contains an entry for this variant (Variation ID: 460767). Based on the evidence outlined above, the variant was classified as uncertain significance.

Labcorp Genetics (formerly Invitae), Labcorp
Classification: Uncertain significance for Familial cancer of breast. Last evaluated: 2024-07-01. Review status: criteria provided, single submitter. Criteria: Invitae Variant Classification Sherloc (09022015). Collection method: clinical testing. Allele origin: germline.
Comment: This sequence change replaces asparagine, which is neutral and polar, with lysine, which is basic and polar, at codon 295 of the BARD1 protein (p.Asn295Lys). This variant is not present in population databases (gnomAD no frequency). This missense change has been observed in individual(s) with breast cancer (PMID: 35534704). ClinVar contains an entry for this variant (Variation ID: 460767). An algorithm developed to predict the effect of missense changes on protein structure and function (PolyPhen-2) suggests that this variant is likely to be tolerated. Experimental studies have shown that this missense change affects BARD1 function (PMID: 16061562). In summary, the available evidence is currently insufficient to determine the role of this variant in disease. Therefore, it has been classified as a Variant of Uncertain Significance.

Baylor Genetics
Classification: Uncertain significance for Familial cancer of breast. Last evaluated: 2023-07-08. Review status: criteria provided, single submitter. Criteria: ACMG Guidelines, 2015. Collection method: clinical testing. Allele origin: unknown.

Color Diagnostics, LLC DBA Color Health
Classification: Uncertain significance for Hereditary cancer-predisposing syndrome. Last evaluated: 2019-01-24. Review status: criteria provided, single submitter. Criteria: ACMG Guidelines, 2015. Collection method: clinical testing. Allele origin: germline.

Literature cited by the submitters: PubMed 35534704 (cited by Women's Health and Genetics/Laboratory Corporation of America, LabCorp and Labcorp Genetics (formerly Invitae), Labcorp); PubMed 16061562 (cited by Labcorp Genetics (formerly Invitae), Labcorp).

NM_000465.4(BARD1):c.885T>G (p.Asn295Lys)

Gene: BARD1 (BRCA1 associated RING domain 1; minus strand). Cytogenetic location: 2q35.
Variant type: single nucleotide variant.
Coding change: c.885T>G on transcript NM_000465.4 (MANE Select); coding-DNA position 885, T replaced by G.
Protein change: p.Asn295Lys; replaces asparagine 295 with lysine.
Molecular consequence: missense variant. On other transcripts: non-coding transcript variant (2), intron variant (3).
Genome position (GRCh38, 1-based): chr2:214,780,989, A>C on the plus strand (T>G on the coding strand, the complement: BARD1 is on the minus strand). VCF-style: chr2-214780989-A-C. GRCh37 (hg19) VCF-style: chr2-215645713-A-C.
Other names: c.885T>G (NM_000465.2); c.828T>G, p.Asn276Lys (NM_001282543.2); c.158+28423T>G (NM_001282548.2); c.215+16072T>G (NM_001282545.2); c.364+11308T>G (NM_001282549.2); short protein forms N295K, N276K.
Identifiers: ClinVar variation 460767 (VCV000460767.20), dbSNP rs1433418104, ClinGen allele CA350455149.